The following is an entry in ClinVar:

ClinVar aggregate classification (germline): Likely benign. Review status: reviewed by expert panel (3 of 4 stars). 3 submissions from 3 submitters: Likely benign (1). 2 of the submissions do not count toward it. Last evaluated 2024-06-24.

Conditions:
Hereditary thrombocytopenia and hematologic cancer predisposition syndrome. Identifiers: Orphanet 71290, MedGen CN281654, MONDO:0011071.
Hereditary thrombocytopenia and hematological cancer predisposition syndrome associated with RUNX1. Also called: Familial thrombocytopenia with propensity to acute myelogenous leukemia; Familial Platelet Disorder with Propensity to Acute Myelogenous Leukemia; PLATELET DISORDER, ASPIRIN-LIKE; RUNX1 Familial Platelet Disorder with Associated Myeloid Malignancies. Identifiers: Orphanet 71290, MedGen C1832388, MeSH C563324, MONDO:0100083, OMIM 601399.
Acute myeloid leukemia (AML). Also called: Leukemia, acute myeloid, somatic; Leukemia, acute myelogenous, somatic; Acute myeloid leukemia, adult; AML adult; Acute non-lymphocytic leukemia; Acute granulocytic leukemia. Identifiers: Orphanet 519, MedGen C0023467, MeSH D015470, MONDO:0018874, OMIM 601626, HP:0004808. Disease mechanism: Constitutively activated FLT3.

Allele frequency attached by ClinVar (database versions not stated): ExAC 0.00002; gnomAD 0.00004; gnomAD exomes 0.00004 and 0.00009; TOPMed 0.00006.
gnomAD v4.1: 137 of 1,609,336 alleles (0.0085%); highest among the groups gnomAD compares: Non-Finnish European, 0.011%; no homozygotes.

Submissions (3):

ClinGen Myeloid Malignancy Variant Curation Expert Panel
Classification: Likely benign for Hereditary thrombocytopenia and hematologic cancer predisposition syndrome. Last evaluated: 2024-06-24. Review status: reviewed by expert panel. Criteria: ClinGen MyeloMalig ACMG Specifications v2. Collection method: curation. Allele origin: germline. Inheritance: Autosomal dominant inheritance.
Comment: NM_001754.5(RUNX1):c.801G>A (p.Met267Ile) is a missense variant which has a REVEL score < 0.50 (0.283) and a SpliceAI score ≤ 0.20 (Acceptor Loss = 0.01) (BP4). Transactivation assays demonstrating normal transactivation (80-115% of wt) (BS3_Supporting; PMID: 34166225). In summary, this variant meets criteria to be classified as likely benign. ACMG/AMP criteria applied, as specified by the Myeloid Malignancy Variant Curation Expert Panel for RUNX1: BS3, BP4.

Labcorp Genetics (formerly Invitae), Labcorp
Classification: Uncertain significance for Hereditary thrombocytopenia and hematological cancer predisposition syndrome associated with RUNX1. Last evaluated: 2025-07-30. Review status: criteria provided, single submitter. Criteria: Invitae Variant Classification Sherloc (09022015). Collection method: clinical testing. Allele origin: germline. Not counted in ClinVar's aggregate classification.
Comment: This sequence change replaces methionine, which is neutral and non-polar, with isoleucine, which is neutral and non-polar, at codon 267 of the RUNX1 protein (p.Met267Ile). This variant is present in population databases (rs757570529, gnomAD 0.007%). This missense change has been observed in individual(s) with acute myeloid leukemia (AML) and acute lymphoblastic leukemia (ALL) (PMID: 24523240, 27137476, 34166225). This variant is also known as p.Met240Ile. ClinVar contains an entry for this variant (Variation ID: 409818). An algorithm developed to predict the effect of missense changes on protein structure and function outputs the following: PolyPhen-2: "Benign". The isoleucine amino acid residue is found in multiple mammalian species, which suggests that this missense change does not adversely affect protein function. Experimental studies have shown that this missense change does not substantially affect RUNX1 function (PMID: 34166225). In summary, the available evidence is currently insufficient to determine the role of this variant in disease. Therefore, it has been classified as a Variant of Uncertain Significance.

Baylor Genetics
Classification: Uncertain significance for Acute myeloid leukemia. Last evaluated: 2024-02-07. Review status: criteria provided, single submitter. Criteria: ACMG Guidelines, 2015. Collection method: clinical testing. Allele origin: unknown. Not counted in ClinVar's aggregate classification.

Literature cited by the submitters: PubMed 34166225 (cited by ClinGen Myeloid Malignancy Variant Curation Expert Panel and Labcorp Genetics (formerly Invitae), Labcorp); PubMed 24523240 (cited by Labcorp Genetics (formerly Invitae), Labcorp); PubMed 27137476 (cited by Labcorp Genetics (formerly Invitae), Labcorp).

NM_001754.5(RUNX1):c.801G>A (p.Met267Ile)

Gene: RUNX1 (RUNX family transcription factor 1; minus strand). Cytogenetic location: 21q22.12.
Variant type: single nucleotide variant.
Coding change: c.801G>A on transcript NM_001754.5 (MANE Select); coding-DNA position 801, G replaced by A.
Protein change: p.Met267Ile; replaces methionine 267 with isoleucine.
Molecular consequence: missense variant.
Genome position (GRCh38, 1-based): chr21:34,834,414, C>T on the plus strand (G>A on the coding strand, the complement: RUNX1 is on the minus strand). VCF-style: chr21-34834414-C-T. GRCh37 (hg19) VCF-style: chr21-36206711-C-T.
Other names: NM_001754.5(RUNX1):c.801G>A; p.Met267Ile; c.720G>A, p.Met240Ile (NM_001001890.3, NM_001122607.2); short protein forms M267I, M240I.
Identifiers: ClinVar variation 409818 (VCV000409818.12), dbSNP rs757570529, ClinGen allele CA10014356.